The following is an entry in ClinVar:

NM_022821.4(ELOVL1):c.47-2A>C

Gene: ELOVL1 (ELOVL fatty acid elongase 1; minus strand). Cytogenetic location: 1p34.2.
Variant type: single nucleotide variant.
Coding change: c.47-2A>C on transcript NM_022821.4 (MANE Select); the canonical splice acceptor site of the intron before coding-DNA position 47, A replaced by C.
Molecular consequence: splice acceptor variant. On other transcripts: intron variant (1).
Genome position (GRCh38, 1-based): chr1:43,365,378, T>G on the plus strand (A>C on the coding strand, the complement: ELOVL1 is on the minus strand). VCF-style: chr1-43365378-T-G. GRCh37 (hg19) VCF-style: chr1-43831049-T-G.
Other names: c.-7+186A>C (NM_001256402.2); c.47-2A>C (NM_001256401.2, NM_001256399.2).
Identifiers: ClinVar variation 4531479 (VCV004531479.1).

ClinVar aggregate classification (germline): Uncertain significance (1 of 4 stars; one submission).

Conditions:
Ichthyotic keratoderma, spasticity, hypomyelination, and dysmorphic facial features. Identifiers: MedGen C5193147, MONDO:0032798, OMIM 618527.

Submission:

Victorian Clinical Genetics Services, Murdoch Childrens Research Institute
Classification: Uncertain significance for Ichthyotic keratoderma, spasticity, hypomyelination, and dysmorphic facial features. Last evaluated: 2025-07-08. Review status: criteria provided, single submitter. Criteria: ACMG Guidelines, 2015. Collection method: clinical testing. Allele origin: germline.
Comment: This variant is classified as VUS-3B. Evidence in support of pathogenic classification: Canonical splice site variant without proven consequence on splicing (no functional evidence available); Variant is absent from gnomAD (v2, v3 and v4); Abnormal splicing is predicted by in silico tool and affected nucleotide is highly conserved; Additional information: This variant is heterozygous; This gene is associated with autosomal dominant disease. A single family with a homozygous splice variant have also been reported in the literature (PMIDs: 35379526, 40070030); Alternative nucleotide change(s) at the same canonical splice site, are present in gnomAD (highest allele count: v4: 1 heterozygote(s), 0 homozygote(s)); This variant has no previous evidence of pathogenicity; No published evidence of segregation with disease has been identified for this variant; No published functional evidence has been identified for this variant; No comparable splice site variants have previous evidence for pathogenicity; The mechanism of disease for this gene is not clearly established.

Literature cited by the submitters: PubMed 40070030; PubMed 35379526.